The following is an entry in ClinVar:

NM_005068.3(SIM1):c.20A>C (p.Asn7Thr)

Gene: SIM1 (SIM bHLH transcription factor 1; minus strand). Cytogenetic location: 6q16.3.
Variant type: single nucleotide variant.
Coding change: c.20A>C on transcript NM_005068.3 (MANE Select); coding-DNA position 20, A replaced by C.
Protein change: p.Asn7Thr; replaces asparagine 7 with threonine.
Molecular consequence: missense variant.
Genome position (GRCh38, 1-based): chr6:100,463,449, T>G on the plus strand (A>C on the coding strand, the complement: SIM1 is on the minus strand). VCF-style: chr6-100463449-T-G. GRCh37 (hg19) VCF-style: chr6-100911325-T-G.
Other names: c.20A>C, p.Asn7Thr (NM_001374769.1); short protein forms N7T.
Identifiers: ClinVar variation 4987350 (VCV004987350.1).
Genomic context (GRCh38, chr6:100,463,449, plus strand): 5'-AGTAATTTAGCCAGTTCATAAAATTCACTGTTTTCCTTCTCCCTCCTAGTCCGCGCAGCA[T>G]TTTTGGACTTTTCTTTCATTGTGTCTTGTTCCCCCTTTCTTCTCACAACTTAAGCTCCGC-3'
Protein context (NP_005059.2, residues 1-17): MKEKSK[Asn7Thr]AARTRREKEN

ClinVar aggregate classification (germline): Uncertain significance (1 of 4 stars; one submission).

Conditions:
SIM1-related disorder. Also called: SIM1-related disorders; SIM1-related condition.

gnomAD v4.1: 21 of 1,607,304 alleles (0.0013%); highest among the groups gnomAD compares: Middle Eastern, 0.016%; no homozygotes.

Submission:

PreventionGenetics, part of Exact Sciences
Classification: Uncertain significance for SIM1-related condition. Last evaluated: 2026-05-26. Review status: criteria provided, single submitter. Criteria: ACMG Guidelines, 2015. Collection method: clinical testing. Allele origin: germline.
Comment: The SIM1 c.20A>C variant is predicted to result in the amino acid substitution p.Asn7Thr. To our knowledge, this variant has not been reported in the literature. This variant is reported in 0.0062% of alleles in individuals of European (Non-Finnish) descent in gnomAD. At this time, the clinical significance of this variant is uncertain due to the absence of conclusive functional and genetic evidence.